The following is an entry in ClinVar:

NM_002691.4(POLD1):c.2718-1G>T

Gene: POLD1 (DNA polymerase delta 1, catalytic subunit; plus strand). Cytogenetic location: 19q13.33.
Variant type: single nucleotide variant.
Coding change: c.2718-1G>T on transcript NM_002691.4 (MANE Select); the canonical splice acceptor site of the intron before coding-DNA position 2718, G replaced by T.
Molecular consequence: splice acceptor variant.
Genome position (GRCh38, 1-based): chr19:50,415,723, G>T. VCF-style: chr19-50415723-G-T. GRCh37 (hg19) VCF-style: chr19-50918980-G-T.
Other names: c.2718-1G>T (NM_001256849.1, NM_001438212.1, NM_001438213.1); c.2646-1G>T (NM_001438210.1, NM_001438211.1); c.2796-1G>T (NM_001308632.1).
Identifiers: ClinVar variation 4862191 (VCV004862191.1).

ClinVar aggregate classification (germline): Uncertain significance (1 of 4 stars; one submission).

Conditions:
Hereditary cancer-predisposing syndrome. Also called: Neoplastic Syndromes, Hereditary; Tumor predisposition; Hereditary Cancer Syndrome; Hereditary neoplastic syndrome. Identifiers: Orphanet 140162, MedGen C0027672, MeSH D009386, MONDO:0015356.

Submission:

Ambry Genetics
Classification: Uncertain significance for Hereditary cancer-predisposing syndrome. Last evaluated: 2026-04-30. Review status: criteria provided, single submitter. Criteria: Ambry Variant Classification Scheme 2023. Collection method: clinical testing. Allele origin: germline.
Comment: The c.2718-1G>T intronic variant results from a G to T substitution one nucleotide upstream from coding exon 21 of the POLD1 gene. This nucleotide position is highly conserved in available vertebrate species. In silico splice site analysis predicts that this alteration will weaken the native splice acceptor site. Alterations that disrupt the canonical splice site are expected to cause aberrant splicing, resulting in an abnormal protein or a transcript that is subject to nonsense-mediated mRNA decay. However, loss of function has not been established as a mechanism of disease. Based on the available evidence, the clinical significance of this variant remains unclear.